The following is an entry in ClinVar:

ClinVar aggregate classification (germline): Uncertain significance. Review status: criteria provided, multiple submitters, no conflicts (2 of 4 stars). 2 submissions from 2 submitters: Uncertain significance (2). Last evaluated 2025-12-02.

Allele frequency attached by ClinVar (database versions not stated): gnomAD exomes below 0.00001 and 0.00001.
gnomAD v4.1: 7 of 1,614,192 alleles (0.00043%); highest among the groups gnomAD compares: Middle Eastern, 0.016%; no homozygotes.

Submissions (2):

Ambry Genetics
Classification: Uncertain significance. Last evaluated: 2025-12-02. Review status: criteria provided, single submitter. Criteria: Ambry Variant Classification Scheme 2023. Collection method: clinical testing. Allele origin: germline.

Labcorp Genetics (formerly Invitae), Labcorp
Classification: Uncertain significance. Last evaluated: 2022-02-10. Review status: criteria provided, single submitter. Criteria: Invitae Variant Classification Sherloc (09022015). Collection method: clinical testing. Allele origin: germline.
Comment: ClinVar contains an entry for this variant (Variation ID: 999076). This variant has not been reported in the literature in individuals affected with KCNJ13-related conditions. This variant is present in population databases (no rsID available, gnomAD 0.002%). This sequence change replaces phenylalanine, which is neutral and non-polar, with tyrosine, which is neutral and polar, at codon 236 of the KCNJ13 protein (p.Phe236Tyr). Algorithms developed to predict the effect of missense changes on protein structure and function are either unavailable or do not agree on the potential impact of this missense change (SIFT: "Deleterious"; PolyPhen-2: "Benign"; Align-GVGD: "Class C0"). In summary, the available evidence is currently insufficient to determine the role of this variant in disease. Therefore, it has been classified as a Variant of Uncertain Significance.

NM_002242.4(KCNJ13):c.707T>A (p.Phe236Tyr)

Genes: GIGYF2 (GRB10 interacting GYF protein 2; plus strand), KCNJ13 (potassium inwardly rectifying channel subfamily J member 13; minus strand). Cytogenetic location: 2q37.1.
Variant type: single nucleotide variant.
Coding change: c.707T>A on transcript NM_002242.4 (MANE Select); coding-DNA position 707, T replaced by A.
Protein change: p.Phe236Tyr; replaces phenylalanine 236 with tyrosine.
Molecular consequence: missense variant. On other transcripts: 3 prime UTR variant (1), intron variant (4).
Genome position (GRCh38, 1-based): chr2:232,768,567, A>T on the plus strand (T>A on the coding strand, the complement: KCNJ13 is on the minus strand). VCF-style: chr2-232768567-A-T. GRCh37 (hg19) VCF-style: chr2-233633277-A-T.
Other names: c.*186T>A (NM_001172416.1); c.467T>A, p.Phe156Tyr (NM_001172417.1); c.532+7131A>T (NM_001103146.3, NM_015575.4, NM_001103147.2 and 1 more transcripts); short protein forms F156Y, F236Y.
Identifiers: ClinVar variation 999076 (VCV000999076.11), dbSNP rs1346994563, ClinGen allele CA351009666.